The following is an entry in ClinVar:

NM_014712.3(SETD1A):c.458A>G (p.Lys153Arg)

Gene: SETD1A (SET domain containing 1A, histone lysine methyltransferase; plus strand). Cytogenetic location: 16p11.2.
Variant type: single nucleotide variant.
Coding change: c.458A>G on transcript NM_014712.3 (MANE Select); coding-DNA position 458, A replaced by G.
Protein change: p.Lys153Arg; replaces lysine 153 with arginine.
Molecular consequence: missense variant.
Genome position (GRCh38, 1-based): chr16:30,961,478, A>G. VCF-style: chr16-30961478-A-G. GRCh37 (hg19) VCF-style: chr16-30972799-A-G.
Other names: short protein forms K153R.
Identifiers: ClinVar variation 2577105 (VCV002577105.1), dbSNP rs1272560968, ClinGen allele CA395648333.
Genomic context (GRCh38, chr16:30,961,478, plus strand): 5'-AGCACCTGGGCCTGGCCCGTGTGCTCTTCACCAGCACTCGGGGCGCCAAGGAAACGGTCA[A>G]AAACCTCCACCTTACCTCCGTCATGGGCAACATCATCCATGCCCAGCTTGACATCAAAGG-3'
Protein context (NP_055527.1, residues 143-163): TSTRGAKETV[Lys153Arg]NLHLTSVMGN

ClinVar aggregate classification (germline): Uncertain significance (1 of 4 stars; one submission).

Allele frequency attached by ClinVar (database versions not stated): TOPMed below 0.00001; gnomAD exomes 0.00001.
gnomAD v4.1: 15 of 1,614,174 alleles (0.00093%); highest among the groups gnomAD compares: African/African-American, 0.0027%; no homozygotes.

Submission:

Women's Health and Genetics/Laboratory Corporation of America, LabCorp
Classification: Uncertain significance. Last evaluated: 2023-07-21. Review status: criteria provided, single submitter. Criteria: LabCorp Variant Classification Summary - May 2015. Collection method: clinical testing. Allele origin: germline.
Comment: Variant summary: SETD1A c.458A>G (p.Lys153Arg) results in a conservative amino acid change located in the RNA recognition motif domain (IPR000504) of the encoded protein sequence. Three of five in-silico tools predict a benign effect of the variant on protein function. The variant allele was found at a frequency of 4e-06 in 251074 control chromosomes. The available data on variant occurrences in the general population are insufficient to allow any conclusion about variant significance. To our knowledge, no occurrence of c.458A>G in individuals affected with SETD1A-related conditions and no experimental evidence demonstrating its impact on protein function have been reported. No submitters have cited clinical-significance assessments for this variant to ClinVar after 2014. Based on the evidence outlined above, the variant was classified as uncertain significance.